The following is an entry in ClinVar:

ClinVar aggregate classification (germline): Uncertain significance (1 of 4 stars; one submission).

Allele frequency attached by ClinVar (database versions not stated): gnomAD exomes below 0.00001 and 0.00002; ExAC 0.00001; gnomAD 0.00001; 1000 Genomes Project 30x 0.00016; 1000 Genomes Project 0.00020.
gnomAD v4.1: 32 of 1,609,654 alleles (0.002%); highest among the groups gnomAD compares: Non-Finnish European, 0.0027%; no homozygotes.

Submission:

Labcorp Genetics (formerly Invitae), Labcorp
Classification: Uncertain significance. Last evaluated: 2022-07-26. Review status: criteria provided, single submitter. Criteria: Invitae Variant Classification Sherloc (09022015). Collection method: clinical testing. Allele origin: germline.
Comment: This sequence change replaces leucine, which is neutral and non-polar, with valine, which is neutral and non-polar, at codon 1816 of the VPS13C protein (p.Leu1816Val). This variant is present in population databases (rs115815864, gnomAD 0.0009%). In summary, the available evidence is currently insufficient to determine the role of this variant in disease. Therefore, it has been classified as a Variant of Uncertain Significance. Algorithms developed to predict the effect of sequence changes on RNA splicing suggest that this variant may create or strengthen a splice site. Algorithms developed to predict the effect of missense changes on protein structure and function are either unavailable or do not agree on the potential impact of this missense change (SIFT: "Deleterious"; PolyPhen-2: "Benign"; Align-GVGD: "Class C0"). ClinVar contains an entry for this variant (Variation ID: 1371017). This variant has not been reported in the literature in individuals affected with VPS13C-related conditions.

NM_020821.3(VPS13C):c.5446C>G (p.Leu1816Val)

Gene: VPS13C (vacuolar protein sorting 13 homolog C; minus strand). Cytogenetic location: 15q22.2.
Variant type: single nucleotide variant.
Coding change: c.5446C>G on transcript NM_020821.3 (MANE Select); coding-DNA position 5446, C replaced by G.
Protein change: p.Leu1816Val; replaces leucine 1816 with valine.
Molecular consequence: missense variant.
Genome position (GRCh38, 1-based): chr15:61,941,770, G>C on the plus strand (C>G on the coding strand, the complement: VPS13C is on the minus strand). VCF-style: chr15-61941770-G-C. GRCh37 (hg19) VCF-style: chr15-62233969-G-C.
Other names: c.5446C>G, p.Leu1816Val (NM_001018088.3); c.5317C>G, p.Leu1773Val (NM_017684.5, NM_018080.4); short protein forms L1773V, L1816V.
Identifiers: ClinVar variation 1371017 (VCV001371017.6), dbSNP rs115815864, ClinGen allele CA7595842.
Genomic context (GRCh38, chr15:61,941,770, plus strand): 5'-TATGAAAATCCTATTTCTAGTAAGCAATACACAATTAGATTACATATTTATACCTTGACA[G>C]CTTCAACTGAGTGAGTTCGATGTTCATTTTATCAATGACTGGAGGAAGAGAATAATGTTC-3'
Protein context (NP_065872.1, residues 1806-1826): KMNIELTQLK[Leu1816Val]SRTILQASLP